The following is an entry in ClinVar:

ClinVar aggregate classification (germline): Uncertain significance (1 of 4 stars; one submission).

Submission:

Labcorp Genetics (formerly Invitae), Labcorp
Classification: Uncertain significance. Last evaluated: 2023-07-26. Review status: criteria provided, single submitter. Criteria: Invitae Variant Classification Sherloc (09022015). Collection method: clinical testing. Allele origin: unknown.
Comment: In summary, the available evidence is currently insufficient to determine the role of this variant in disease. Therefore, it has been classified as a Variant of Uncertain Significance. Experimental studies and prediction algorithms are not available or were not evaluated, and the functional significance of this variant is currently unknown. This variant has not been reported in the literature in individuals affected with MYH9-related conditions. This variant results in a copy number gain of the genomic region encompassing exon(s) 1-24 of the MYH9 gene. This region includes the initiator codon of the gene. This copy number gain extends beyond the assayed region for this gene and therefore may encompass additional genes. As the precise location of this event is unknown, it may be in tandem or it may be located elsewhere in the genome.

NC_000022.10:g.(?_36694945)_(36876884_?)dup

Genes: MYH9 (myosin heavy chain 9; minus strand), TXN2 (thioredoxin 2; minus strand). Cytogenetic location: 22q12.3.
Variant type: Duplication.
Identifiers: ClinVar variation 3248095 (VCV003248095.1).